The following is an entry in ClinVar:

ClinVar aggregate classification (germline): Likely benign (1 of 4 stars; one submission).

Submission:

CeGaT Center for Human Genetics Tuebingen
Classification: Likely benign. Last evaluated: 2025-10-01. Review status: criteria provided, single submitter. Criteria: CeGaT Center For Human Genetics Tuebingen Variant Classification Criteria Version 2. Collection method: clinical testing. Allele origin: germline. Affected: yes. Observed: 1 variant allele.
Comment: NCF1: BP4, BP7

NM_000265.7(NCF1):c.783C>T (p.Asp261=)

Genes: NCF1 (neutrophil cytosolic factor 1; plus strand), LOC106029312 (Williams-Beuren syndrome medial block B recombination region; plus strand). Cytogenetic location: 7q11.23.
Variant type: single nucleotide variant.
Coding change: c.783C>T on transcript NM_000265.7 (MANE Select); coding-DNA position 783, C replaced by T.
Protein change: p.Asp261=; no amino-acid change (aspartic acid 261 retained).
Molecular consequence: synonymous variant.
Genome position (GRCh38, 1-based): chr7:74,785,282, C>T. VCF-style: chr7-74785282-C-T. GRCh37 (hg19) VCF-style: chr7-74199628-C-T.
Identifiers: ClinVar variation 4534691 (VCV004534691.6).
Genomic context (GRCh38, chr7:74,785,282, plus strand): 5'-GGGGGACGAGGTGTCCCTGCTCGAGGGTGAAGCTGTTGAGGTCATTCACAAGCTCCTGGA[C>T]GGCTGGTGGGTCATCAGGTAGGAGGGCCCCTCTCCATCCAGAGCACCCATCTGAGTCAGC-3'
Protein context (NP_000256.4, residues 251-271): EAVEVIHKLL[Asp261=]GWWVIRKDDV